The following is an entry in ClinVar:

NM_001370259.2(MEN1):c.632T>G (p.Val211Gly)

Gene: MEN1 (menin 1; minus strand). Cytogenetic location: 11q13.1.
Variant type: single nucleotide variant.
Coding change: c.632T>G on transcript NM_001370259.2 (MANE Select); coding-DNA position 632, T replaced by G.
Protein change: p.Val211Gly; replaces valine 211 with glycine.
Molecular consequence: missense variant. On other transcripts: intron variant (2).
Genome position (GRCh38, 1-based): chr11:64,807,913, A>C on the plus strand (T>G on the coding strand, the complement: MEN1 is on the minus strand). VCF-style: chr11-64807913-A-C. GRCh37 (hg19) VCF-style: chr11-64575385-A-C.
Other names: c.647T>G, p.Val216Gly (NM_000244.4, NM_130800.3, NM_130801.3 and 3 more transcripts); c.632T>G, p.Val211Gly (NM_001370251.2, NM_001370260.2, NM_001370261.2 and 1 more transcripts); c.549+83T>G (NM_001370263.2, NM_001370262.2); short protein forms V211G, V216G.
Identifiers: ClinVar variation 566175 (VCV000566175.8), dbSNP rs1565647698, ClinGen allele CA381185356.
Genomic context (GRCh38, chr11:64,807,913, plus strand): 5'-AGTATGAAGGGGACAAGGCTGGGGGGAGGGAACAATACCCGCTCAGCCACACCGGCATTG[A>C]CTGTCTGGCCCCTGCGGTCCTCGTTGCCCTTGCCGTGCCAGGTGACCTCAGCTGTCTGCT-3'
Protein context (NP_001357188.2, residues 201-221): KGNEDRRGQT[Val211Gly]NAGVAERSWL

ClinVar aggregate classification (germline): Uncertain significance (1 of 4 stars; one submission).

Conditions:
Multiple endocrine neoplasia, type 1 (MEN1). Also called: MEN I; WERMER SYNDROME; MEA I; Endocrine adenomatosis multiple; MEN 1. Identifiers: Orphanet 652, MedGen C0025267, MeSH D018761, MONDO:0007540, OMIM 131100.

Submission:

Labcorp Genetics (formerly Invitae), Labcorp
Classification: Uncertain significance for Multiple endocrine neoplasia, type 1. Last evaluated: 2025-08-25. Review status: criteria provided, single submitter. Criteria: Invitae Variant Classification Sherloc (09022015). Collection method: clinical testing. Allele origin: germline.
Comment: This sequence change replaces valine, which is neutral and non-polar, with glycine, which is neutral and non-polar, at codon 211 of the MEN1 protein (p.Val211Gly). This variant is not present in population databases (gnomAD no frequency). This variant has not been reported in the literature in individuals affected with MEN1-related conditions. ClinVar contains an entry for this variant (Variation ID: 566175). Invitae Evidence Modeling of protein sequence and biophysical properties (such as structural, functional, and spatial information, amino acid conservation, physicochemical variation, residue mobility, and thermodynamic stability) indicates that this missense variant is expected to disrupt MEN1 protein function with a positive predictive value of 95%. In summary, the available evidence is currently insufficient to determine the role of this variant in disease. Therefore, it has been classified as a Variant of Uncertain Significance.